The following is an entry in ClinVar:

ClinVar aggregate classification (germline): Uncertain significance. Review status: criteria provided, multiple submitters, no conflicts (2 of 4 stars). 2 submissions from 2 submitters: Uncertain significance (2). Last evaluated 2025-08-12.

Conditions:
Cardiovascular phenotype. Identifiers: MedGen CN230736.

gnomAD v4.1: 75 of 1,612,770 alleles (0.0047%); highest among the groups gnomAD compares: African/African-American, 0.087%; no homozygotes.

Submissions (2):

Labcorp Genetics (formerly Invitae), Labcorp
Classification: Uncertain significance. Last evaluated: 2025-08-12. Review status: criteria provided, single submitter. Criteria: Invitae Variant Classification Sherloc (09022015). Collection method: clinical testing. Allele origin: germline.
Comment: This sequence change replaces histidine, which is basic and polar, with tyrosine, which is neutral and polar, at codon 396 of the LMF1 protein (p.His396Tyr). This variant is present in population databases (rs368805282, gnomAD 0.06%). This variant has not been reported in the literature in individuals affected with LMF1-related conditions. ClinVar contains an entry for this variant (Variation ID: 4047704). An algorithm developed to predict the effect of missense changes on protein structure and function (PolyPhen-2) suggests that this variant is likely to be tolerated. In summary, the available evidence is currently insufficient to determine the role of this variant in disease. Therefore, it has been classified as a Variant of Uncertain Significance.

Ambry Genetics
Classification: Uncertain significance for Cardiovascular phenotype. Last evaluated: 2025-04-14. Review status: criteria provided, single submitter. Criteria: Ambry Variant Classification Scheme 2023. Collection method: clinical testing. Allele origin: germline.

NM_022773.4(LMF1):c.1186C>T (p.His396Tyr)

Gene: LMF1 (lipase maturation factor 1; minus strand). Cytogenetic location: 16p13.3.
Variant type: single nucleotide variant.
Coding change: c.1186C>T on transcript NM_022773.4 (MANE Select); coding-DNA position 1186, C replaced by T.
Protein change: p.His396Tyr; replaces histidine 396 with tyrosine.
Molecular consequence: missense variant. On other transcripts: non-coding transcript variant (1).
Genome position (GRCh38, 1-based): chr16:870,775, G>A on the plus strand (C>T on the coding strand, the complement: LMF1 is on the minus strand). VCF-style: chr16-870775-G-A. GRCh37 (hg19) VCF-style: chr16-920775-G-A.
Other names: c.535C>T, p.His179Tyr (NM_001352017.2, NM_001352021.2); c.787C>T, p.His263Tyr (NM_001352018.2); c.859C>T, p.His287Tyr (NM_001352019.2); c.1186C>T, p.His396Tyr (NM_001352020.1); short protein forms H179Y, H396Y, H263Y, H287Y.
Identifiers: ClinVar variation 4047704 (VCV004047704.2).